The following is an entry in ClinVar:

ClinVar aggregate classification (germline): Uncertain significance (1 of 4 stars; one submission).

gnomAD v4.1: 3 of 1,614,108 alleles (0.00019%); highest among the groups gnomAD compares: East Asian, 0.0045%; no homozygotes.

Submission:

Labcorp Genetics (formerly Invitae), Labcorp
Classification: Uncertain significance. Last evaluated: 2024-10-03. Review status: criteria provided, single submitter. Criteria: Invitae Variant Classification Sherloc (09022015). Collection method: clinical testing. Allele origin: germline.
Comment: This sequence change replaces serine, which is neutral and polar, with asparagine, which is neutral and polar, at codon 273 of the TGFB1 protein (p.Ser273Asn). This variant is present in population databases (rs559265663, gnomAD 0.006%). This variant has not been reported in the literature in individuals affected with TGFB1-related conditions. Invitae Evidence Modeling of protein sequence and biophysical properties (such as structural, functional, and spatial information, amino acid conservation, physicochemical variation, residue mobility, and thermodynamic stability) indicates that this missense variant is not expected to disrupt TGFB1 protein function with a negative predictive value of 80%. In summary, the available evidence is currently insufficient to determine the role of this variant in disease. Therefore, it has been classified as a Variant of Uncertain Significance.

NM_000660.7(TGFB1):c.818G>A (p.Ser273Asn)

Gene: TGFB1 (transforming growth factor beta 1; minus strand). Cytogenetic location: 19q13.2.
Variant type: single nucleotide variant.
Coding change: c.818G>A on transcript NM_000660.7 (MANE Select); coding-DNA position 818, G replaced by A.
Protein change: p.Ser273Asn; replaces serine 273 with asparagine.
Molecular consequence: missense variant.
Genome position (GRCh38, 1-based): chr19:41,341,925, C>T on the plus strand (G>A on the coding strand, the complement: TGFB1 is on the minus strand). VCF-style: chr19-41341925-C-T. GRCh37 (hg19) VCF-style: chr19-41847830-C-T.
Other names: short protein forms S273N.
Identifiers: ClinVar variation 3618179 (VCV003618179.2).